The following is an entry in ClinVar:

ClinVar aggregate classification (germline): Uncertain significance (1 of 4 stars; one submission).

Submission:

Ambry Genetics
Classification: Uncertain significance. Last evaluated: 2022-03-01. Review status: criteria provided, single submitter. Criteria: Ambry Variant Classification Scheme 2023. Collection method: clinical testing. Allele origin: germline.
Comment: The p.W613S variant (also known as c.1838G>C), located in coding exon 18 of the KIF1B gene, results from a G to C substitution at nucleotide position 1838. The tryptophan at codon 613 is replaced by serine, an amino acid with highly dissimilar properties. This amino acid position is conserved. In addition, this alteration is predicted to be deleterious by in silico analysis. Since supporting evidence is limited at this time, the clinical significance of this alteration remains unclear.

NM_001365951.3(KIF1B):c.1976G>C (p.Trp659Ser)

Gene: KIF1B (kinesin family member 1B; plus strand). Cytogenetic location: 1p36.22.
Variant type: single nucleotide variant.
Coding change: c.1976G>C on transcript NM_001365951.3 (MANE Select); coding-DNA position 1976, G replaced by C.
Protein change: p.Trp659Ser; replaces tryptophan 659 with serine.
Molecular consequence: missense variant.
Genome position (GRCh38, 1-based): chr1:10,297,011, G>C. VCF-style: chr1-10297011-G-C. GRCh37 (hg19) VCF-style: chr1-10357069-G-C.
Other names: c.1976G>C, p.Trp659Ser (NM_001365952.1); c.1838G>C, p.Trp613Ser (NM_001365953.1, NM_015074.3, NM_183416.4); short protein forms W659S, W613S.
Identifiers: ClinVar variation 1781081 (VCV001781081.2), dbSNP rs2521402762, ClinGen allele CA338317096.